The following is an entry in ClinVar:

ClinVar aggregate classification (germline): Uncertain significance. Review status: criteria provided, multiple submitters, no conflicts (2 of 4 stars). 2 submissions from 2 submitters: Uncertain significance (2). Last evaluated 2025-01-27.

Conditions:
Arginase deficiency. Also called: ARGININEMIA; ARG1 DEFICIENCY; Arginase 1 Deficiency. Identifiers: Orphanet 90, MedGen C0268548, MONDO:0008814, OMIM 207800.

Allele frequency attached by ClinVar (database versions not stated): gnomAD exomes 0.00005; TOPMed 0.00005; ExAC 0.00002; gnomAD 0.00003.
gnomAD v4.1: 77 of 1,613,930 alleles (0.0048%); highest among the groups gnomAD compares: Non-Finnish European, 0.0061%; no homozygotes.

Submissions (2):

Women's Health and Genetics/Laboratory Corporation of America, LabCorp
Classification: Uncertain significance. Last evaluated: 2025-01-27. Review status: criteria provided, single submitter. Criteria: LabCorp Variant Classification Summary - May 2015. Collection method: clinical testing. Allele origin: germline.

Labcorp Genetics (formerly Invitae), Labcorp
Classification: Uncertain significance for Arginase deficiency. Last evaluated: 2022-06-28. Review status: criteria provided, single submitter. Criteria: Invitae Variant Classification Sherloc (09022015). Collection method: clinical testing. Allele origin: germline.
Comment: This sequence change falls in intron 7 of the ARG1 gene. It does not directly change the encoded amino acid sequence of the ARG1 protein. It affects a nucleotide within the consensus splice site. This variant is present in population databases (rs763249487, gnomAD 0.007%). This variant has not been reported in the literature in individuals affected with ARG1-related conditions. Variants that disrupt the consensus splice site are a relatively common cause of aberrant splicing (PMID: 17576681, 9536098). Algorithms developed to predict the effect of sequence changes on RNA splicing suggest that this variant is not likely to affect RNA splicing. In summary, the available evidence is currently insufficient to determine the role of this variant in disease. Therefore, it has been classified as a Variant of Uncertain Significance.

Literature cited by the submitters: PubMed 17576681 (cited by Labcorp Genetics (formerly Invitae), Labcorp); PubMed 9536098 (cited by Labcorp Genetics (formerly Invitae), Labcorp).

NM_000045.4(ARG1):c.802+4G>C

Genes: ARG1 (arginase 1; plus strand), MED23 (mediator complex subunit 23; minus strand). Cytogenetic location: 6q23.2.
Variant type: single nucleotide variant.
Coding change: c.802+4G>C on transcript NM_000045.4 (MANE Select); 4 bases into the intron after coding-DNA position 802, G replaced by C.
Molecular consequence: intron variant.
Genome position (GRCh38, 1-based): chr6:131,583,495, G>C. VCF-style: chr6-131583495-G-C. GRCh37 (hg19) VCF-style: chr6-131904635-G-C.
Other names: c.826+4G>C (NM_001244438.2); c.547+4G>C (NM_001369020.1); c.4077+4214C>G (NM_001270521.2); c.4095+4214C>G (NM_015979.4).
Identifiers: ClinVar variation 2055848 (VCV002055848.3), dbSNP rs763249487, ClinGen allele CA3999371.